The following is an entry in ClinVar:

ClinVar aggregate classification (germline): Uncertain significance (1 of 4 stars; one submission).

Submission:

Labcorp Genetics (formerly Invitae), Labcorp
Classification: Uncertain significance. Last evaluated: 2022-07-19. Review status: criteria provided, single submitter. Criteria: Invitae Variant Classification Sherloc (09022015). Collection method: clinical testing. Allele origin: germline.
Comment: In summary, the available evidence is currently insufficient to determine the role of this variant in disease. Therefore, it has been classified as a Variant of Uncertain Significance. Advanced modeling of protein sequence and biophysical properties (such as structural, functional, and spatial information, amino acid conservation, physicochemical variation, residue mobility, and thermodynamic stability) performed at Invitae indicates that this missense variant is not expected to disrupt COL4A1 protein function. ClinVar contains an entry for this variant (Variation ID: 1427891). This variant has not been reported in the literature in individuals affected with COL4A1-related conditions. This variant is not present in population databases (gnomAD no frequency). This sequence change replaces phenylalanine, which is neutral and non-polar, with leucine, which is neutral and non-polar, at codon 1544 of the COL4A1 protein (p.Phe1544Leu).

NM_001845.6(COL4A1):c.4630T>C (p.Phe1544Leu)

Gene: COL4A1 (collagen type IV alpha 1 chain; minus strand). Cytogenetic location: 13q34.
Variant type: single nucleotide variant.
Coding change: c.4630T>C on transcript NM_001845.6 (MANE Select); coding-DNA position 4630, T replaced by C.
Protein change: p.Phe1544Leu; replaces phenylalanine 1544 with leucine.
Molecular consequence: missense variant.
Genome position (GRCh38, 1-based): chr13:110,161,202, A>G on the plus strand (T>C on the coding strand, the complement: COL4A1 is on the minus strand). VCF-style: chr13-110161202-A-G. GRCh37 (hg19) VCF-style: chr13-110813549-A-G.
Other names: short protein forms F1544L.
Identifiers: ClinVar variation 1427891 (VCV001427891.6), dbSNP rs2138427595, ClinGen allele CA388656986.
Genomic context (GRCh38, chr13:110,161,202, plus strand): 5'-AGACTTTTCCTCTTCAATTTTGCATTTGTTCCTACAGATGCTCGACTCACCTACTAATAA[A>G]TGGTCTTATGTTTTCCCCCGTGATGGGTGCCATTGACATGGGCATGGGCTCAGGGGTGGA-3'
Protein context (NP_001836.3, residues 1534-1554): APITGENIRP[Phe1544Leu]ISRCAVCEAP